The following is an entry in ClinVar:

ClinVar aggregate classification (germline): Uncertain significance (1 of 4 stars; one submission).

Conditions:
Hereditary cancer-predisposing syndrome. Also called: Neoplastic Syndromes, Hereditary; Tumor predisposition; Hereditary Cancer Syndrome; Hereditary neoplastic syndrome. Identifiers: Orphanet 140162, MedGen C0027672, MeSH D009386, MONDO:0015356.

Allele frequency attached by ClinVar (database versions not stated): gnomAD exomes below 0.00001.
gnomAD v4.1: 1 of 1,613,748 alleles (0.000062%); highest among the groups gnomAD compares: South Asian, 0.0011%; no homozygotes.

Submission:

Ambry Genetics
Classification: Uncertain significance for Hereditary cancer-predisposing syndrome. Last evaluated: 2022-02-24. Review status: criteria provided, single submitter. Criteria: Ambry Variant Classification Scheme 2023. Collection method: clinical testing. Allele origin: germline.
Comment: The p.P233A variant (also known as c.697C>G), located in coding exon 4 of the MSH6 gene, results from a C to G substitution at nucleotide position 697. The proline at codon 233 is replaced by alanine, an amino acid with highly similar properties. This amino acid position is conserved. In addition, this alteration is predicted to be tolerated by in silico analysis. Since supporting evidence is limited at this time, the clinical significance of this alteration remains unclear.

NM_000179.3(MSH6):c.697C>G (p.Pro233Ala)

Gene: MSH6 (mutS homolog 6; plus strand). Cytogenetic location: 2p16.3.
Variant type: single nucleotide variant.
Coding change: c.697C>G on transcript NM_000179.3 (MANE Select); coding-DNA position 697, C replaced by G.
Protein change: p.Pro233Ala; replaces proline 233 with alanine.
Molecular consequence: missense variant. On other transcripts: 5 prime UTR variant (2).
Genome position (GRCh38, 1-based): chr2:47,798,680, C>G. VCF-style: chr2-47798680-C-G. GRCh37 (hg19) VCF-style: chr2-48025819-C-G.
Other names: c.307C>G, p.Pro103Ala (NM_001281492.2); c.-210C>G (NM_001281493.2, NM_001281494.2, NM_001406811.1 and 6 more transcripts); c.793C>G, p.Pro265Ala (NM_001406795.1, NM_001406802.1); c.697C>G, p.Pro233Ala (NM_001406796.1, NM_001406798.1, NM_001406800.1 and 4 more transcripts); c.400C>G, p.Pro134Ala (NM_001406797.1, NM_001406801.1, NM_001406805.1 and 10 more transcripts); c.172C>G, p.Pro58Ala (NM_001406799.1, NM_001406806.1, NM_001406807.1); c.619C>G, p.Pro207Ala (NM_001406804.1); c.703C>G, p.Pro235Ala (NM_001406813.1); and 1 more; short protein forms P177A, P233A, P134A, P207A, P235A, P103A, P265A, P58A.
Identifiers: ClinVar variation 1756418 (VCV001756418.2), dbSNP rs2104291771, ClinGen allele CA346739962.